The following is an entry in ClinVar:

NM_001291415.2(KDM6A):c.4329A>G (p.Thr1443=)

Gene: KDM6A (lysine demethylase 6A; plus strand). Cytogenetic location: Xp11.3.
Variant type: single nucleotide variant.
Coding change: c.4329A>G on transcript NM_001291415.2 (MANE Select); coding-DNA position 4329, A replaced by G.
Protein change: p.Thr1443=; no amino-acid change (threonine 1443 retained).
Molecular consequence: synonymous variant. On other transcripts: non-coding transcript variant (1).
Genome position (GRCh38, 1-based): chrX:45,110,246, A>G. VCF-style: chrX-45110246-A-G. GRCh37 (hg19) VCF-style: chrX-44969491-A-G.
Other names: c.4194A>G, p.Thr1398= (NM_001291416.2); c.4038A>G, p.Thr1346= (NM_001291417.2); c.3936A>G, p.Thr1312= (NM_001291418.2); c.3285A>G, p.Thr1095= (NM_001291421.2); c.4071A>G, p.Thr1357= (NM_001410742.1); c.4437A>G, p.Thr1479= (NM_001419809.1); c.4335A>G, p.Thr1445= (NM_001419810.1); c.4302A>G, p.Thr1434= (NM_001419811.1); and 5 more.
Identifiers: ClinVar variation 2824309 (VCV002824309.3), dbSNP rs2523578507, ClinGen allele CA515978528.

ClinVar aggregate classification (germline): Uncertain significance (1 of 4 stars; one submission).

Conditions:
Kabuki syndrome 2 (KABUK2). Also called: KDM6A-Related Kabuki Syndrome. Identifiers: Orphanet 2322, MedGen C3275495, MONDO:0010465, OMIM 300867.

Submission:

Labcorp Genetics (formerly Invitae), Labcorp
Classification: Uncertain significance for Kabuki syndrome 2. Last evaluated: 2023-07-10. Review status: criteria provided, single submitter. Criteria: Invitae Variant Classification Sherloc (09022015). Collection method: clinical testing. Allele origin: germline.
Comment: In summary, the available evidence is currently insufficient to determine the role of this variant in disease. Therefore, it has been classified as a Variant of Uncertain Significance. Algorithms developed to predict the effect of sequence changes on RNA splicing suggest that this variant may create or strengthen a splice site. This variant has not been reported in the literature in individuals affected with KDM6A-related conditions. This variant is not present in population databases (gnomAD no frequency). This sequence change affects codon 1391 of the KDM6A mRNA. It is a 'silent' change, meaning that it does not change the encoded amino acid sequence of the KDM6A protein.